The following continues an entry in ClinVar:

NM_000155.4(GALT):c.404C>T (p.Ser135Leu)

Gene: GALT. ClinVar aggregate classification (germline): Pathogenic. Pathogenic (1).

Submissions 8 to 23 of 31:

Variantyx, Inc.
Classification: Pathogenic for Deficiency of UDPglucose-hexose-1-phosphate uridylyltransferase. Last evaluated: 2025-03-20. Review status: criteria provided, single submitter. Criteria: Variantyx Assertion Criteria 2022. Collection method: clinical testing. Allele origin: maternal. Inheritance: Autosomal recessive inheritance. Not counted in ClinVar's aggregate classification.
Comment: This is a nonsynonymous variant in the GALT gene (OMIM: 606999). Pathogenic variants in this gene have been associated with autosomal recessive galactosemia. This variant has been reported in multiple individuals in the homozygous and compound heterozygous states with galactosemia (PMID: 28065439, 27176039, 10070616) (PM3). More than three variants classified as either LP or P were reported within the 30 bp surrounding this variant without benign variants (PM1). Multiple computational algorithms predict a deleterious effect for this variant (REVEL score: 0.921) (PP3) and independently conducted functional studies report a significantly negative effect on protein function (PMID: 7887417, 10070616, 11152465, 12208137) (PS3). Based on this evidence, this variant is classified as pathogenic for autosomal recessive galactosemia.

Blueprint Genetics
Classification: Pathogenic for GALT-related disorders. Last evaluated: 2024-10-09. Review status: criteria provided, single submitter. Criteria: ACMG Guidelines, 2015. Collection method: clinical testing. Allele origin: germline. Affected: yes. Observed: 5 variant alleles. Not counted in ClinVar's aggregate classification.

Department of Genetics, Sultan Qaboos University Hospital
Classification: Pathogenic for Deficiency of UDPglucose-hexose-1-phosphate uridylyltransferase. Last evaluated: 2024-06-12. Review status: criteria provided, single submitter. Criteria: ACMG Guidelines, 2015. Collection method: curation. Allele origin: unknown. Affected: yes. Not counted in ClinVar's aggregate classification.

Revvity Omics, Revvity
Classification: Pathogenic for Deficiency of UDPglucose-hexose-1-phosphate uridylyltransferase. Last evaluated: 2024-05-14. Review status: criteria provided, single submitter. Criteria: ACMG Guidelines, 2015. Collection method: clinical testing. Allele origin: germline. Not counted in ClinVar's aggregate classification.

Baylor Genetics
Classification: Pathogenic for Deficiency of UDPglucose-hexose-1-phosphate uridylyltransferase. Last evaluated: 2024-03-30. Review status: criteria provided, single submitter. Criteria: ACMG Guidelines, 2015. Collection method: clinical testing. Allele origin: unknown. Not counted in ClinVar's aggregate classification.

Genomic Medicine Center of Excellence, King Faisal Specialist Hospital and Research Centre
Classification: Pathogenic for Deficiency of UDPglucose-hexose-1-phosphate uridylyltransferase. Last evaluated: 2024-03-17. Review status: criteria provided, single submitter. Criteria: ACMG Guidelines, 2015. Collection method: research. Allele origin: germline. Not counted in ClinVar's aggregate classification.

Dasa
Classification: Pathogenic for Deficiency of UDPglucose-hexose-1-phosphate uridylyltransferase. Last evaluated: 2022-06-10. Review status: criteria provided, single submitter. Criteria: ACMG Guidelines, 2015. Collection method: clinical testing. Allele origin: germline. Affected: yes. Observed: 1 variant allele. Not counted in ClinVar's aggregate classification.
Comment: The c.404C>T;p.(Ser135Leu) missense change has been observed in affected individual(s) and ClinVar contains an entry for this variant (Clinvar ID: 3618; PMID: 20301691; 28065439; 27176039; 10070616; 7887417) - PS4.Well-established in vitro or in vivo functional studies supportive of a damaging effect on the gene or gene product (PMID: 9323558) - PS3_supporting. The variant is present at low allele frequencies population databases (rs111033690– gnomAD 0.009002%; ABraOM 0.000427 frequency) -PM2_supporting. The p.(Ser135Leu) was detected in trans with a Pathogenic variant (PMID: 28065439; 27176039; 10070616) - PM3_strong. Pathogenic missense variant in this residue have been reported and classified as Pathogenic by ACMG criteria (Clinvar ID: 25172) -PM5. Multiple lines of computational evidence support a deleterious effect on the gene or gene product - PP3. In summary, the currently available evidence indicates that the variant is Pathogenic

3billion
Classification: Pathogenic for Deficiency of UDPglucose-hexose-1-phosphate uridylyltransferase. Last evaluated: 2022-05-22. Review status: criteria provided, single submitter. Criteria: ACMG Guidelines, 2015. Collection method: clinical testing. Allele origin: germline. Affected: yes. Observed: 1 homozygote. Not counted in ClinVar's aggregate classification.
Comment: The variant is observed at an extremely low frequency in the gnomAD v2.1.1 dataset (total allele frequency: 0.025%). Missense changes are a common disease-causing mechanism. In silico tool predictions suggest damaging effect of the variant on gene or gene product (REVEL: 0.92; 3Cnet: 0.97). Same nucleotide change resulting in same amino acid change has been previously reported as pathogenic/likely pathogenic with strong evidence (ClinVar ID: VCV000003618). Different missense changes at the same codon (p.Ser135Pro, p.Ser135Trp) have been reported to be associated with GALT related disorder (ClinVar ID: VCV000025172 / PMID: 15841485, 22944367). Therefore, this variant is classified as pathogenic according to the recommendation of ACMG/AMP guideline.

Greenwood Genetic Center Diagnostic Laboratories, Greenwood Genetic Center
Classification: Pathogenic for Deficiency of UDPglucose-hexose-1-phosphate uridylyltransferase. Last evaluated: 2021-12-28. Review status: criteria provided, single submitter. Criteria: ACMG Guidelines, 2015. Collection method: clinical testing. Allele origin: germline. Affected: yes. Not counted in ClinVar's aggregate classification.
Comment: PS3, PP3, PM3_Strong

Mayo Clinic Laboratories, Mayo Clinic
Classification: Pathogenic. Last evaluated: 2021-07-15. Review status: criteria provided, single submitter. Criteria: ACMG Guidelines, 2015. Collection method: clinical testing. Allele origin: germline. Observed: 76 variant alleles. Not counted in ClinVar's aggregate classification.

Ambry Genetics
Classification: Pathogenic for Inborn genetic diseases. Last evaluated: 2021-06-23. Review status: criteria provided, single submitter. Criteria: Ambry Variant Classification Scheme 2023. Collection method: clinical testing. Allele origin: germline. Not counted in ClinVar's aggregate classification.
Comment: The c.404C>T (p.S135L) alteration is located in exon 5 (coding exon 5) of the GALT gene. This alteration results from a C to T substitution at nucleotide position 404, causing the serine (S) at amino acid position 135 to be replaced by a leucine (L). Based on data from the Genome Aggregation Database (gnomAD) database, the GALT c.404C>T alteration was observed in 0.03% (94/282882) of total alleles studied, with a frequency of 0.35% (87/24960) in the African subpopulation. This mutation has been reported in multiple individuals in the homozygous and compound heterozygous states with galactosemia (Henderson, 2002; Boutron, 2012; Garcia, 2016; Welsink-Karssies, 2020). In yeast and E. coli, GALT activity was reduced compared to wild type (Fridovich-Keil, 1995; Riehman, 2001; Coelho, 2014). The p.S135L alteration is predicted to be deleterious by in silico analysis. Based on the available evidence, this alteration is classified as pathogenic.

Laboratorio de Genetica e Diagnostico Molecular, Hospital Israelita Albert Einstein
Classification: Pathogenic. Last evaluated: 2020-11-27. Review status: criteria provided, single submitter. Criteria: ACMG Guidelines, 2015. Collection method: clinical testing. Allele origin: germline. Affected: yes. Not counted in ClinVar's aggregate classification.
Comment: ACMG classification criteria: PS3, PS4, PM2, PM3, PP3

GeneDx
Classification: Pathogenic. Last evaluated: 2020-05-06. Review status: criteria provided, single submitter. Criteria: GeneDx Variant Classification Process June 2021. Collection method: clinical testing. Allele origin: germline. Affected: yes. Not counted in ClinVar's aggregate classification.
Comment: Functional analysis found S135L is associated with significantly reduced enzyme activity (Fridovich-Keil et al., 1995; Coelho et al., 2014); In silico analyses, including protein predictors and evolutionary conservation, support a deleterious effect; This variant is associated with the following publications: (PMID: 1610789, 9323558, 12552079, 22975760, 25614870, 25087612, 11754113, 12208137, 12350230, 29302074, 34391645, 8551426, 11152465, 7887417, 20008339, 10070616, 19418241, 28065439, 27176039, 22944367, 22461411, 1373122, 31954591, 30275481, 34030713, 31589614)

Myriad Genetics, Inc.
Classification: Pathogenic for Deficiency of UDPglucose-hexose-1-phosphate uridylyltransferase. Last evaluated: 2019-11-15. Review status: criteria provided, single submitter. Criteria: Myriad Women's Health Autosomal Recessive and X-Linked Classification Criteria (2019). Collection method: clinical testing. Allele origin: unknown. Not counted in ClinVar's aggregate classification.
Comment: NM_000155.3(GALT):c.404C>T(S135L) is classified as pathogenic in the context of galactosemia. Sources cited for classification include the following: PMID 10070616, 11754113, 19418241, 8551426, 7887417, 12208137, 1610789 and 11152465. Classification of NM_000155.3(GALT):c.404C>T(S135L) is based on the following criteria: This is a well-established pathogenic variant in the literature that has been observed more frequently in patients with clinical diagnoses than in healthy populations. Please note: this variant was assessed in the context of healthy population screening.

Eurofins Ntd Llc (ga)
Classification: Pathogenic. Last evaluated: 2018-07-19. Review status: criteria provided, single submitter. Criteria: EGL ClinVar v180209 classification definitions. Collection method: clinical testing. Allele origin: germline. Observed: 47 variant alleles, 43 heterozygotes, 4 homozygotes. Not counted in ClinVar's aggregate classification.

SIB Swiss Institute of Bioinformatics
Classification: Likely pathogenic for Deficiency of UDPglucose-hexose-1-phosphate uridylyltransferase. Last evaluated: 2018-05-31. Review status: criteria provided, single submitter. Criteria: ACMG Guidelines, 2015. Collection method: curation. Allele origin: unknown. Not counted in ClinVar's aggregate classification.
Comment: This variant is interpreted as a Likely Pathogenic, for Galactosemia, in Autosomal Recessive manner. The following ACMG Tag(s) were applied: PM2 => Present at frequency compatible with disease prevalence in Exome Sequencing Project, 1000 Genomes Project, or Exome Aggregation Consortium. PP3 => Multiple lines of computational evidence support a deleterious effect on the gene or gene product. PM3 => For recessive disorders, detected in trans with a pathogenic variant (PMID:11754113) (PMID:22461411). PS3 => Well-established functional studies show a deleterious effect (PMID:7887417,25614870).